The following is an entry in ClinVar:

ClinVar aggregate classification (germline): Uncertain significance (1 of 4 stars; one submission).

Conditions:
Cohen syndrome (COH1). Also called: PEPPER SYNDROME; Cutis verticis gyrata, retinitis pigmentosa, and sensorineural deafness. Identifiers: Orphanet 193, MedGen C0265223, MONDO:0008999, OMIM 216550.

Allele frequency attached by ClinVar (database versions not stated): gnomAD exomes below 0.00001; ExAC 0.00001.
gnomAD v4.1: 2 of 1,613,792 alleles (0.00012%); highest among the groups gnomAD compares: Non-Finnish European, 0.00017%; no homozygotes.

Submission:

Labcorp Genetics (formerly Invitae), Labcorp
Classification: Uncertain significance for Cohen syndrome. Last evaluated: 2019-08-23. Review status: criteria provided, single submitter. Criteria: Invitae Variant Classification Sherloc (09022015). Collection method: clinical testing. Allele origin: germline.
Comment: This variant has not been reported in the literature in individuals with VPS13B-related conditions. This sequence change replaces serine with arginine at codon 3201 of the VPS13B protein (p.Ser3201Arg). The serine residue is highly conserved and there is a moderate physicochemical difference between serine and arginine. This variant is present in population databases (rs771505935, ExAC 0.002%). Algorithms developed to predict the effect of missense changes on protein structure and function are either unavailable or do not agree on the potential impact of this missense change (SIFT: "Deleterious "; PolyPhen-2: "Benign"; Align-GVGD: "Class 0"). In summary, the available evidence is currently insufficient to determine the role of this variant in disease. Therefore, it has been classified as a Variant of Uncertain Significance.

NM_152564.5(VPS13B):c.9528C>G (p.Ser3176Arg)

Gene: VPS13B (vacuolar protein sorting 13 homolog B; plus strand). Cytogenetic location: 8q22.2.
Variant type: single nucleotide variant.
Coding change: c.9528C>G on transcript NM_152564.5 (MANE Select); coding-DNA position 9528, C replaced by G.
Protein change: p.Ser3176Arg; replaces serine 3176 with arginine.
Molecular consequence: missense variant.
Genome position (GRCh38, 1-based): chr8:99,832,566, C>G. VCF-style: chr8-99832566-C-G. GRCh37 (hg19) VCF-style: chr8-100844794-C-G.
Other names: c.9603C>G, p.Ser3201Arg (NM_017890.5); short protein forms S3176R, S3201R.
Identifiers: ClinVar variation 935748 (VCV000935748.8), dbSNP rs771505935, ClinGen allele CA4824724.